The following is an entry in ClinVar:

NM_006947.4(SRP72):c.1846A>G (p.Ser616Gly)

Gene: SRP72 (signal recognition particle 72; plus strand). Cytogenetic location: 4q12.
Variant type: single nucleotide variant.
Coding change: c.1846A>G on transcript NM_006947.4 (MANE Select); coding-DNA position 1846, A replaced by G.
Protein change: p.Ser616Gly; replaces serine 616 with glycine.
Molecular consequence: missense variant. On other transcripts: non-coding transcript variant (1).
Genome position (GRCh38, 1-based): chr4:56,501,691, A>G. VCF-style: chr4-56501691-A-G. GRCh37 (hg19) VCF-style: chr4-57367857-A-G.
Other names: c.1663A>G, p.Ser555Gly (NM_001267722.2); short protein forms S555G, S616G.
Identifiers: ClinVar variation 2110151 (VCV002110151.4), dbSNP rs2545777992, ClinGen allele CA357003412.

ClinVar aggregate classification (germline): Uncertain significance (1 of 4 stars; one submission).

Submission:

Labcorp Genetics (formerly Invitae), Labcorp
Classification: Uncertain significance. Last evaluated: 2025-08-15. Review status: criteria provided, single submitter. Criteria: Invitae Variant Classification Sherloc (09022015). Collection method: clinical testing. Allele origin: germline.
Comment: This sequence change replaces serine, which is neutral and polar, with glycine, which is neutral and non-polar, at codon 616 of the SRP72 protein (p.Ser616Gly). This variant is not present in population databases (gnomAD no frequency). This variant has not been reported in the literature in individuals affected with SRP72-related conditions. ClinVar contains an entry for this variant (Variation ID: 2110151). Invitae Evidence Modeling of protein sequence and biophysical properties (such as structural, functional, and spatial information, amino acid conservation, physicochemical variation, residue mobility, and thermodynamic stability) indicates that this missense variant is not expected to disrupt SRP72 protein function with a negative predictive value of 80%. In summary, the available evidence is currently insufficient to determine the role of this variant in disease. Therefore, it has been classified as a Variant of Uncertain Significance.